The following is an entry in ClinVar:

NM_203447.4(DOCK8):c.400C>T (p.Arg134Trp)

Gene: DOCK8 (dedicator of cytokinesis 8; plus strand). Cytogenetic location: 9p24.3.
Variant type: single nucleotide variant.
Coding change: c.400C>T on transcript NM_203447.4 (MANE Select); coding-DNA position 400, C replaced by T.
Protein change: p.Arg134Trp; replaces arginine 134 with tryptophan.
Molecular consequence: missense variant.
Genome position (GRCh38, 1-based): chr9:289,577, C>T. VCF-style: chr9-289577-C-T. GRCh37 (hg19) VCF-style: chr9-289577-C-T.
Other names: p.Arg134Trp; c.196C>T, p.Arg66Trp (NM_001190458.2, NM_001193536.2); short protein forms R134W, R66W.
Identifiers: ClinVar variation 939439 (VCV000939439.8), dbSNP rs369513990, ClinGen allele CA4957207.

ClinVar aggregate classification (germline): Uncertain significance. Review status: criteria provided, multiple submitters, no conflicts (2 of 4 stars). 3 submissions from 3 submitters: Uncertain significance (3). Last evaluated 2025-10-23.

Allele frequency attached by ClinVar (database versions not stated): gnomAD 0.00001; TOPMed 0.00005; ESP Exome Variant Server 0.00008; 1000 Genomes Project 30x 0.00031.

Submissions (3):

Mayo Clinic Laboratories, Mayo Clinic
Classification: Uncertain significance. Last evaluated: 2025-10-23. Review status: criteria provided, single submitter. Criteria: ACMG Guidelines, 2015. Collection method: clinical testing. Allele origin: germline. Observed: 1 variant allele.

Labcorp Genetics (formerly Invitae), Labcorp
Classification: Uncertain significance for Combined immunodeficiency due to DOCK8 deficiency. Last evaluated: 2025-01-12. Review status: criteria provided, single submitter. Criteria: Invitae Variant Classification Sherloc (09022015). Collection method: clinical testing. Allele origin: germline.
Comment: This sequence change replaces arginine, which is basic and polar, with tryptophan, which is neutral and slightly polar, at codon 134 of the DOCK8 protein (p.Arg134Trp). This variant is present in population databases (rs369513990, gnomAD 0.01%). This variant has not been reported in the literature in individuals affected with DOCK8-related conditions. ClinVar contains an entry for this variant (Variation ID: 939439). Invitae Evidence Modeling of protein sequence and biophysical properties (such as structural, functional, and spatial information, amino acid conservation, physicochemical variation, residue mobility, and thermodynamic stability) indicates that this missense variant is expected to disrupt DOCK8 protein function with a positive predictive value of 80%. In summary, the available evidence is currently insufficient to determine the role of this variant in disease. Therefore, it has been classified as a Variant of Uncertain Significance.

Blueprint Genetics
Classification: Uncertain significance. Last evaluated: 2024-09-10. Review status: criteria provided, single submitter. Criteria: ACMG Guidelines, 2015. Collection method: clinical testing. Allele origin: germline.